The following is an entry in ClinVar:

NM_002691.4(POLD1):c.1985A>C (p.Asn662Thr)

Gene: POLD1 (DNA polymerase delta 1, catalytic subunit; plus strand). Cytogenetic location: 19q13.33.
Variant type: single nucleotide variant.
Coding change: c.1985A>C on transcript NM_002691.4 (MANE Select); coding-DNA position 1985, A replaced by C.
Protein change: p.Asn662Thr; replaces asparagine 662 with threonine.
Molecular consequence: missense variant. On other transcripts: non-coding transcript variant (1).
Genome position (GRCh38, 1-based): chr19:50,409,214, A>C. VCF-style: chr19-50409214-A-C. GRCh37 (hg19) VCF-style: chr19-50912471-A-C.
Other names: c.1985A>C, p.Asn662Thr (NM_001256849.1); c.2063A>C, p.Asn688Thr (NM_001308632.1); short protein forms N662T, N688T.
Identifiers: ClinVar variation 1783861 (VCV001783861.2), dbSNP rs2514015838, ClinGen allele CA406982379.

ClinVar aggregate classification (germline): Uncertain significance (1 of 4 stars; one submission).

Conditions:
Hereditary cancer-predisposing syndrome. Also called: Neoplastic Syndromes, Hereditary; Tumor predisposition; Hereditary Cancer Syndrome; Hereditary neoplastic syndrome. Identifiers: Orphanet 140162, MedGen C0027672, MeSH D009386, MONDO:0015356.

Allele frequency attached by ClinVar (database versions not stated): gnomAD exomes below 0.00001.
gnomAD v4.1: 1 of 1,612,268 alleles (0.000062%); highest among the groups gnomAD compares: Non-Finnish European, 0.000085%; no homozygotes.

Submission:

Ambry Genetics
Classification: Uncertain significance for Hereditary cancer-predisposing syndrome. Last evaluated: 2021-09-18. Review status: criteria provided, single submitter. Criteria: Ambry Variant Classification Scheme 2023. Collection method: clinical testing. Allele origin: germline.
Comment: The p.N662T variant (also known as c.1985A>C), located in coding exon 15 of the POLD1 gene, results from an A to C substitution at nucleotide position 1985. The asparagine at codon 662 is replaced by threonine, an amino acid with similar properties. This amino acid position is conserved. In addition, this alteration is predicted to be tolerated by in silico analysis. Since supporting evidence is limited at this time, the clinical significance of this alteration remains unclear.